The following is an entry in ClinVar:

ClinVar aggregate classification (germline): Uncertain significance (1 of 4 stars; one submission).

Conditions:
Autosomal recessive limb-girdle muscular dystrophy type 2J (LGMDR10). Also called: Limb-girdle muscular dystrophy, type 2J; MUSCULAR DYSTROPHY, LIMB-GIRDLE, AUTOSOMAL RECESSIVE 10. Identifiers: Orphanet 140922, MedGen C1837342, MONDO:0012127, OMIM 608807.
Dilated cardiomyopathy 1G (CMD1G). Identifiers: Orphanet 154, MedGen C1858763, MONDO:0011400, OMIM 604145.

Allele frequency attached by ClinVar (database versions not stated): TOPMed 0.00001.

Submission:

Labcorp Genetics (formerly Invitae), Labcorp
Classification: Uncertain significance for Dilated cardiomyopathy 1G; Autosomal recessive limb-girdle muscular dystrophy type 2J. Last evaluated: 2021-06-16. Review status: criteria provided, single submitter. Criteria: Invitae Variant Classification Sherloc (09022015). Collection method: clinical testing. Allele origin: germline.
Comment: In summary, the available evidence is currently insufficient to determine the role of this variant in disease. Therefore, it has been classified as a Variant of Uncertain Significance. This sequence change affects codon 692 of the TTN mRNA. It is a 'silent' change, meaning that it does not change the encoded amino acid sequence of the TTN protein. This variant also falls at the last nucleotide of exon 13 of the TTN coding sequence, which is part of the consensus splice site for this exon. This variant is not present in population databases (ExAC no frequency). This variant has not been reported in the literature in individuals with TTN-related conditions. This variant is located in the Z band of TTN (PMID: 25589632). Variants in this region may be relevant for neuromuscular disorders, but have not been definitively shown to cause cardiomyopathy (PMID: 23975875). Nucleotide substitutions within the consensus splice site are a relatively common cause of aberrant splicing (PMID: 17576681, 9536098). Algorithms developed to predict the effect of sequence changes on RNA splicing suggest that this variant may disrupt the consensus splice site, but this prediction has not been confirmed by published transcriptional studies.

Literature cited by the submitters: PubMed 25589632; PubMed 23975875; PubMed 17576681; PubMed 9536098.

NM_001267550.2(TTN):c.2076G>A (p.Lys692=)

Gene: TTN (titin; minus strand). Cytogenetic location: 2q31.2.
Variant type: single nucleotide variant.
Coding change: c.2076G>A on transcript NM_001267550.2 (MANE Select); coding-DNA position 2076, G replaced by A.
Protein change: p.Lys692=; no amino-acid change (lysine 692 retained).
Molecular consequence: synonymous variant.
Genome position (GRCh38, 1-based): chr2:178,789,360, C>T on the plus strand (G>A on the coding strand, the complement: TTN is on the minus strand). VCF-style: chr2-178789360-C-T. GRCh37 (hg19) VCF-style: chr2-179654087-C-T.
Other names: c.2076G>A, p.Lys692= (NM_133379.5, NM_001256850.1, NM_133378.4); c.1938G>A, p.Lys646= (NM_133432.3, NM_133437.4, NM_003319.4).
Identifiers: ClinVar variation 947017 (VCV000947017.10), dbSNP rs1333188525, ClinGen allele CA430112510.